The following is an entry in ClinVar:

NM_052947.4(ALPK2):c.6509C>A (p.Thr2170Asn)

Gene: ALPK2 (alpha kinase 2; minus strand). Cytogenetic location: 18q21.31.
Variant type: single nucleotide variant.
Coding change: c.6509C>A on transcript NM_052947.4 (MANE Select); coding-DNA position 6509, C replaced by A.
Protein change: p.Thr2170Asn; replaces threonine 2170 with asparagine.
Molecular consequence: missense variant.
Genome position (GRCh38, 1-based): chr18:58,481,827, G>T on the plus strand (C>A on the coding strand, the complement: ALPK2 is on the minus strand). VCF-style: chr18-58481827-G-T. GRCh37 (hg19) VCF-style: chr18-56149059-G-T.
Other names: short protein forms T2170N.
Identifiers: ClinVar variation 3530899 (VCV003530899.1).

ClinVar aggregate classification (germline): Uncertain significance (1 of 4 stars; one submission).

gnomAD v4.1: 3 of 1,613,676 alleles (0.00019%); highest among the groups gnomAD compares: Non-Finnish European, 0.00025%; no homozygotes.

Submission:

Ambry Genetics
Classification: Uncertain significance. Last evaluated: 2024-07-27. Review status: criteria provided, single submitter. Criteria: Ambry Variant Classification Scheme 2023. Collection method: clinical testing. Allele origin: germline.
Comment: The p.T2170N variant (also known as c.6509C>A), located in coding exon 12 of the ALPK2 gene, results from a C to A substitution at nucleotide position 6509. The threonine at codon 2170 is replaced by asparagine, an amino acid with similar properties. This amino acid position is conserved. In addition, this alteration is predicted to be tolerated by in silico analysis. Based on the available evidence, the clinical significance of this variant remains unclear.